The following is an entry in ClinVar:

ClinVar aggregate classification (germline): Uncertain significance (1 of 4 stars; one submission).

Conditions:
Familial hypocalciuric hypercalcemia (FHH). Also called: Familial benign hypercalcemia. Identifiers: Orphanet 405, MedGen C1809471, MONDO:0018458.
Autosomal dominant hypocalcemia 1 (HYPOC1). Also called: HYPOCALCEMIA, FAMILIAL. Identifiers: MedGen C3715128, MONDO:0011013, OMIM 601198.

Submission:

Labcorp Genetics (formerly Invitae), Labcorp
Classification: Uncertain significance for Familial hypocalciuric hypercalcemia; Autosomal dominant hypocalcemia 1. Last evaluated: 2020-12-20. Review status: criteria provided, single submitter. Criteria: Invitae Variant Classification Sherloc (09022015). Collection method: clinical testing. Allele origin: germline.
Comment: In summary, the available evidence is currently insufficient to determine the role of this variant in disease. Therefore, it has been classified as a Variant of Uncertain Significance. This variant disrupts the p.Gly670 amino acid residue in CASR. Other variant(s) that disrupt this residue have been determined to be pathogenic (PMID: 8675635, 22798347). This suggests that this residue is clinically significant, and that variants that disrupt this residue are likely to be disease-causing. Algorithms developed to predict the effect of missense changes on protein structure and function (SIFT, PolyPhen-2, Align-GVGD) all suggest that this variant is likely to be disruptive, but these predictions have not been confirmed by published functional studies and their clinical significance is uncertain. This variant has not been reported in the literature in individuals with CASR-related conditions. This variant is not present in population databases (ExAC no frequency). This sequence change replaces glycine with valine at codon 670 of the CASR protein (p.Gly670Val). The glycine residue is highly conserved and there is a moderate physicochemical difference between glycine and valine.

Literature cited by the submitters: PubMed 8675635; PubMed 22798347.

NM_000388.4(CASR):c.2009G>T (p.Gly670Val)

Gene: CASR (calcium sensing receptor; plus strand). Cytogenetic location: 3q21.1.
Variant type: single nucleotide variant.
Coding change: c.2009G>T on transcript NM_000388.4 (MANE Select); coding-DNA position 2009, G replaced by T.
Protein change: p.Gly670Val; replaces glycine 670 with valine.
Molecular consequence: missense variant.
Genome position (GRCh38, 1-based): chr3:122,283,963, G>T. VCF-style: chr3-122283963-G-T. GRCh37 (hg19) VCF-style: chr3-122002810-G-T.
Other names: c.2039G>T, p.Gly680Val (NM_001178065.2); short protein forms G670V, G680V.
Identifiers: ClinVar variation 1357772 (VCV001357772.8), dbSNP rs104893700, ClinGen allele CA354158296.
Genomic context (GRCh38, chr3:122,283,963, plus strand): 5'-TCTCCTACCTCCTCCTCTTCTCCCTGCTCTGCTGCTTCTCCAGCTCCCTGTTCTTCATCG[G>T]GGAGCCCCAGGACTGGACGTGCCGCCTGCGCCAGCCGGCCTTTGGCATCAGCTTCGTGCT-3'
Protein context (NP_000379.3, residues 660-680): CCFSSSLFFI[Gly670Val]EPQDWTCRLR